The following is an entry in ClinVar:

NM_002161.6(IARS1):c.2430-2A>G

Gene: IARS1 (isoleucyl-tRNA synthetase 1; minus strand). Cytogenetic location: 9q22.31.
Variant type: single nucleotide variant.
Coding change: c.2430-2A>G on transcript NM_002161.6 (MANE Select); the canonical splice acceptor site of the intron before coding-DNA position 2430, A replaced by G.
Molecular consequence: splice acceptor variant.
Genome position (GRCh38, 1-based): chr9:92,250,291, T>C on the plus strand (A>G on the coding strand, the complement: IARS1 is on the minus strand). VCF-style: chr9-92250291-T-C. GRCh37 (hg19) VCF-style: chr9-95012573-T-C.
Other names: c.2430-2A>G (NM_001378573.1, NM_001378577.1, NM_001378585.1 and 9 more transcripts); c.2307-2A>G (NM_001378583.1); c.2346-2A>G (NM_001374301.1); c.2334-2A>G (NM_001378582.1); c.2355-2A>G (NM_001378584.1, NM_001374299.1, NM_001374300.1); c.2451-2A>G (NM_001378571.1); c.2493-2A>G (NM_001378569.1).
Identifiers: ClinVar variation 4701914 (VCV004701914.1).

ClinVar aggregate classification (germline): Likely pathogenic (1 of 4 stars; one submission).

gnomAD v4.1: 3 of 1,548,568 alleles (0.00019%); highest among the groups gnomAD compares: Non-Finnish European, 0.00027%; no homozygotes.

Submission:

Labcorp Genetics (formerly Invitae), Labcorp
Classification: Likely pathogenic. Last evaluated: 2025-03-27. Review status: criteria provided, single submitter. Criteria: Invitae Variant Classification Sherloc (09022015). Collection method: clinical testing. Allele origin: germline.
Comment: This sequence change affects an acceptor splice site in intron 23 of the IARS gene. It is expected to disrupt RNA splicing. Variants that disrupt the donor or acceptor splice site typically lead to a loss of protein function (PMID: 16199547), and loss-of-function variants in IARS are known to be pathogenic (PMID: 27426735, 27891590). This variant is not present in population databases (gnomAD no frequency). This variant has not been reported in the literature in individuals affected with IARS-related conditions. Algorithms developed to predict the effect of sequence changes on RNA splicing suggest that this variant may disrupt the consensus splice site. In summary, the currently available evidence indicates that the variant is pathogenic, but additional data are needed to prove that conclusively. Therefore, this variant has been classified as Likely Pathogenic.

Literature cited by the submitters: PubMed 16199547; PubMed 27426735; PubMed 27891590.